The following is an entry in ClinVar:

ClinVar aggregate classification (germline): Pathogenic (1 of 4 stars; one submission).

Submission:

Labcorp Genetics (formerly Invitae), Labcorp
Classification: Pathogenic. Last evaluated: 2023-03-26. Review status: criteria provided, single submitter. Criteria: Invitae Variant Classification Sherloc (09022015). Collection method: clinical testing. Allele origin: germline.
Comment: For these reasons, this variant has been classified as Pathogenic. This premature translational stop signal has been observed in individual(s) with ABCA4-related conditions (PMID: 28327576). This variant is not present in population databases (gnomAD no frequency). This sequence change creates a premature translational stop signal (p.Tyr665*) in the ABCA4 gene. It is expected to result in an absent or disrupted protein product. Loss-of-function variants in ABCA4 are known to be pathogenic (PMID: 10958761, 24938718, 25312043, 26780318).

Literature cited by the submitters: PubMed 28327576; PubMed 10958761; PubMed 24938718; PubMed 25312043; PubMed 26780318.

NM_000350.3(ABCA4):c.1995C>G (p.Tyr665Ter)

Gene: ABCA4 (ATP binding cassette subfamily A member 4; minus strand). Cytogenetic location: 1p22.1.
Variant type: single nucleotide variant.
Coding change: c.1995C>G on transcript NM_000350.3 (MANE Select); coding-DNA position 1995, C replaced by G.
Protein change: p.Tyr665Ter; replaces tyrosine 665 with a stop codon.
Molecular consequence: nonsense.
Genome position (GRCh38, 1-based): chr1:94,060,702, G>C on the plus strand (C>G on the coding strand, the complement: ABCA4 is on the minus strand). VCF-style: chr1-94060702-G-C. GRCh37 (hg19) VCF-style: chr1-94526258-G-C.
Other names: c.1995C>G, p.Tyr665Ter (NM_001425324.1); short protein forms Y665*.
Identifiers: ClinVar variation 2849539 (VCV002849539.3), dbSNP rs757302286, ClinGen allele CA341278768.